The following is an entry in ClinVar:

ClinVar aggregate classification (germline): Pathogenic. Review status: criteria provided, multiple submitters, no conflicts (2 of 4 stars). 7 submissions from 7 submitters: Pathogenic (6). 1 of the submissions does not count toward it. Last evaluated 2025-10-06.

Conditions:
Hereditary cancer-predisposing syndrome. Also called: Hereditary Cancer Syndrome; Neoplastic Syndromes, Hereditary; Hereditary neoplastic syndrome; Tumor predisposition. Identifiers: Orphanet 140162, MedGen C0027672, MeSH D009386, MONDO:0015356.
Abnormal central motor function. Identifiers: MedGen C4023354, HP:0011442.
Familial cancer of breast. Also called: Hereditary breast cancer; hereditary breast carcinoma; BREAST CANCER, FAMILIAL. Identifiers: Orphanet 227535, MedGen C0346153, MONDO:0016419, OMIM 114480. Disease mechanism: loss of function.
Ataxia-telangiectasia syndrome (AT). Also called: Cerebello-oculocutaneous telangiectasia; Immunodeficiency with ataxia telangiectasia; Ataxia-telangiectasia, complementation group E; Ataxia-telangiectasia, complementation group D; AT, COMPLEMENTATION GROUP C; ATAXIA-TELANGIECTASIA, COMPLEMENTATION GROUP A. Identifiers: Orphanet 100, MedGen C0004135, MONDO:0008840, OMIM 208900.
Breast cancer, susceptibility to. Identifiers: MedGen C3469522. Disease mechanism: gain of function.

Allele frequency attached by ClinVar (database versions not stated): TOPMed 0.00002.
gnomAD v4.1: 1 of 1,614,032 alleles (0.000062%); highest among the groups gnomAD compares: African/African-American, 0.0013%; no homozygotes.

Submissions (7):

Labcorp Genetics (formerly Invitae), Labcorp
Classification: Pathogenic for Ataxia-telangiectasia syndrome. Last evaluated: 2025-10-06. Review status: criteria provided, single submitter. Criteria: Invitae Variant Classification Sherloc (09022015). Collection method: clinical testing. Allele origin: germline.
Comment: This sequence change creates a premature translational stop signal (p.Trp488*) in the ATM gene. It is expected to result in an absent or disrupted protein product. Loss-of-function variants in ATM are known to be pathogenic (PMID: 23807571, 25614872). This variant is not present in population databases (gnomAD no frequency). This premature translational stop signal has been observed in individual(s) with ataxia-telangiectasia (A-T) (PMID: 23807571). ClinVar contains an entry for this variant (Variation ID: 819185). For these reasons, this variant has been classified as Pathogenic.

GeneDx
Classification: Pathogenic. Last evaluated: 2024-01-24. Review status: criteria provided, single submitter. Criteria: GeneDx Variant Classification Process June 2021. Collection method: clinical testing. Allele origin: germline. Affected: yes.
Comment: Nonsense variant predicted to result in protein truncation or nonsense mediated decay in a gene for which loss of function is a known mechanism of disease; Identified in the heterozygous state in an individual with breast cancer (PMID: 32427313); Not observed at significant frequency in large population cohorts (gnomAD); Truncating variants in this gene are considered pathogenic by a well-established clinical consortium and/or database; This variant is associated with the following publications: (PMID: 16941484, 37564729, 17124347, 25614872, 32427313, 23807571)

Myriad Genetics, Inc.
Classification: Pathogenic for Familial cancer of breast. Last evaluated: 2024-01-16. Review status: criteria provided, single submitter. Criteria: Myriad Autosomal Dominant, Autosomal Recessive and X-Linked Classification Criteria (2023). Collection method: clinical testing. Allele origin: unknown.
Comment: This variant is considered pathogenic. This variant creates a termination codon and is predicted to result in premature protein truncation.

Ambry Genetics
Classification: Pathogenic for Hereditary cancer-predisposing syndrome. Last evaluated: 2022-07-15. Review status: criteria provided, single submitter. Criteria: Ambry Variant Classification Scheme 2023. Collection method: clinical testing. Allele origin: germline.
Comment: The p.W488* pathogenic mutation (also known as c.1464G>A), located in coding exon 9 of the ATM gene, results from a G to A substitution at nucleotide position 1464. This changes the amino acid from a tryptophan to a stop codon within coding exon 9. This alteration was reported in trans with a different pathogenic ATM mutation in two siblings with a clinical diagnosis of ataxia-telangiectasia (Huang Y et al. Neuromolecular Med., 2013 Sep;15:536-40). This variant is considered to be rare based on population cohorts in the Genome Aggregation Database (gnomAD). In additional to the clinical information presented in the literature, this alteration is expected to result in loss of function by premature protein truncation or nonsense-mediated mRNA decay. As such, this alteration is interpreted as a disease-causing mutation.

Women's Health and Genetics/Laboratory Corporation of America, LabCorp
Classification: Pathogenic for Ataxia-telangiectasia syndrome. Last evaluated: 2022-03-04. Review status: criteria provided, single submitter. Criteria: LabCorp Variant Classification Summary - May 2015. Collection method: clinical testing. Allele origin: germline.
Comment: Variant summary: ATM c.1464G>A (p.Trp488X) results in a premature termination codon, predicted to cause a truncation of the encoded protein or absence of the protein due to nonsense mediated decay, which are commonly known mechanisms for disease. Truncations downstream of this position have been classified as pathogenic by our laboratory. The variant was absent in 251336 control chromosomes (gnomAD). c.1464G>A has been reported in the literature in individuals affected with Ataxia-Telangiectasia and Breast cancer (Huang_2013, Palmer_2020). Additionally, another variant (c.1463G>A) resulted in p.Trp488X and has been observed in individuals affected with Ataxia-Telangiectasia (Cavalieri_2006, Magliozzi_2006). These data indicate that the variant may be associated with disease. To our knowledge, no experimental evidence demonstrating an impact on protein function has been reported. Three clinical diagnostic laboratories have submitted clinical-significance assessments for this variant to ClinVar after 2014 and all laboratories classified the variant as pathogenic. Based on the evidence outlined above, the variant was classified as pathogenic.

Kariminejad - Najmabadi Pathology & Genetics Center
Classification: Pathogenic for Abnormal central motor function. Last evaluated: 2021-07-10. Review status: criteria provided, single submitter. Criteria: ACMG Guidelines, 2015. Collection method: clinical testing. Allele origin: germline. Affected: yes.

Human Genome Sequencing Center Clinical Lab, Baylor College of Medicine
Classification: Uncertain significance for Susceptibility to breast cancer; Ataxia-telangiectasia. Review status: flagged submission. Criteria: ACMG Guidelines, 2015. Collection method: clinical testing. Allele origin: germline. Not counted in ClinVar's aggregate classification.
ClinVar note: Reason: Outlier claim with insufficient supporting evidence

Literature cited by the submitters: PubMed 23807571 (cited by 3 submitters); PubMed 25614872 (cited by Labcorp Genetics (formerly Invitae), Labcorp); PubMed 17124347 (cited by Women's Health and Genetics/Laboratory Corporation of America, LabCorp); PubMed 16941484 (cited by Women's Health and Genetics/Laboratory Corporation of America, LabCorp); PubMed 32427313 (cited by Women's Health and Genetics/Laboratory Corporation of America, LabCorp).

NM_000051.4(ATM):c.1464G>A (p.Trp488Ter)

Gene: ATM (ATM serine/threonine kinase; plus strand). Cytogenetic location: 11q22.3.
Variant type: single nucleotide variant.
Coding change: c.1464G>A on transcript NM_000051.4 (MANE Select); coding-DNA position 1464, G replaced by A.
Protein change: p.Trp488Ter; replaces tryptophan 488 with a stop codon.
Molecular consequence: nonsense.
Genome position (GRCh38, 1-based): chr11:108,250,929, G>A. VCF-style: chr11-108250929-G-A. GRCh37 (hg19) VCF-style: chr11-108121656-G-A.
Other names: c.1464G>A, p.Trp488Ter (NM_001351834.2); short protein forms W488*.
Identifiers: ClinVar variation 819185 (VCV000819185.38), dbSNP rs377597949, ClinGen allele CA382534151.